The following is an entry in ClinVar:

ClinVar aggregate classification (germline): Benign/Likely benign. Review status: criteria provided, multiple submitters, no conflicts (2 of 4 stars). 7 submissions from 7 submitters: Benign (1); Likely benign (6). Last evaluated 2026-04-01.

Conditions:
Inborn genetic diseases. Identifiers: MedGen C0950123, MeSH D030342.
Hereditary cancer-predisposing syndrome. Also called: Neoplastic Syndromes, Hereditary; Tumor predisposition; Hereditary Cancer Syndrome; Hereditary neoplastic syndrome. Identifiers: Orphanet 140162, MedGen C0027672, MeSH D009386, MONDO:0015356.
Wilms tumor 1 (WT1). Also called: Wilms tumor, somatic. Identifiers: Orphanet 654, MedGen CN033288, MONDO:0008679, OMIM 194070.

Allele frequency attached by ClinVar (database versions not stated): TOPMed 0.00001; ExAC 0.00002; gnomAD 0.00002 and 0.00001; 1000 Genomes Project 30x 0.00021; 1000 Genomes Project 0.00026; gnomAD exomes 0.00001.
gnomAD v4.1: 20 of 1,208,367 alleles (0.0017%); highest among the groups gnomAD compares: African/African-American, 0.0087%; no homozygotes.

Submissions (7):

CeGaT Center for Human Genetics Tuebingen
Classification: Likely benign. Last evaluated: 2026-04-01. Review status: criteria provided, single submitter. Criteria: CeGaT Center For Human Genetics Tuebingen Variant Classification Criteria Version 2. Collection method: clinical testing. Allele origin: germline. Affected: yes. Observed: 1 variant allele.
Comment: GPC3: BP4, BP7, BS2

Labcorp Genetics (formerly Invitae), Labcorp
Classification: Benign for Wilms tumor 1. Last evaluated: 2025-10-18. Review status: criteria provided, single submitter. Criteria: Invitae Variant Classification Sherloc (09022015). Collection method: clinical testing. Allele origin: germline.

Blueprint Genetics
Classification: Likely benign. Last evaluated: 2023-04-03. Review status: criteria provided, single submitter. Criteria: ACMG Guidelines, 2015. Collection method: clinical testing. Allele origin: germline.

Sema4
Classification: Likely benign for Hereditary cancer-predisposing syndrome. Last evaluated: 2022-01-27. Review status: criteria provided, single submitter. Criteria: Sema4 Curation Guidelines. Collection method: curation. Allele origin: germline.

GeneDx
Classification: Likely benign. Last evaluated: 2020-04-21. Review status: criteria provided, single submitter. Criteria: GeneDx Variant Classification Process June 2021. Collection method: clinical testing. Allele origin: germline. Affected: yes.

Ambry Genetics
Classification: Likely benign for Inborn genetic diseases. Last evaluated: 2019-02-09. Review status: criteria provided, single submitter. Criteria: Ambry Variant Classification Scheme 2023. Collection method: clinical testing. Allele origin: germline.

Breakthrough Genomics
Classification: Likely benign. Review status: criteria provided, single submitter. Criteria: ACMG Guidelines, 2015. Collection method: not provided. Allele origin: germline. Inheritance: X-linked inheritance. Affected: yes.

NM_004484.4(GPC3):c.1248G>A (p.Ala416=)

Gene: GPC3 (glypican 3; minus strand). Cytogenetic location: Xq26.2.
Variant type: single nucleotide variant.
Coding change: c.1248G>A on transcript NM_004484.4 (MANE Select); coding-DNA position 1248, G replaced by A.
Protein change: p.Ala416=; no amino-acid change (alanine 416 retained).
Molecular consequence: synonymous variant.
Genome position (GRCh38, 1-based): chrX:133,692,413, C>T on the plus strand (G>A on the coding strand, the complement: GPC3 is on the minus strand). VCF-style: chrX-133692413-C-T. GRCh37 (hg19) VCF-style: chrX-132826441-C-T.
Other names: c.1317G>A, p.Ala439= (NM_001164617.2); c.1200G>A, p.Ala400= (NM_001164618.2); c.1086G>A, p.Ala362= (NM_001164619.2).
Identifiers: ClinVar variation 705105 (VCV000705105.18), dbSNP rs201677091, ClinGen allele CA10520698.